The following is an entry in ClinVar:

ClinVar aggregate classification (germline): Conflicting classifications of pathogenicity. Review status: criteria provided, conflicting classifications (1 of 4 stars). 3 submissions from 3 submitters: Likely pathogenic (1); Uncertain significance (2). Last evaluated 2026-03-01.

Conditions:
Interstitial lung disease 2 (ILD2). Also called: FIBROCYSTIC PULMONARY DYSPLASIA; FIBROSING ALVEOLITIS, CRYPTOGENIC; Familial idiopathic pulmonary fibrosis. Identifiers: Orphanet 2032, Orphanet 79126, MedGen C5561926, MONDO:0800497, OMIM 178500, MONDO:0800029.

Allele frequency attached by ClinVar (database versions not stated): ExAC 0.00006; ESP Exome Variant Server 0.00016; gnomAD exomes 0.00019; 1000 Genomes Project 0.00020; 1000 Genomes Project 30x 0.00031.

Submissions (3):

CeGaT Center for Human Genetics Tuebingen
Classification: Uncertain significance. Last evaluated: 2026-03-01. Review status: criteria provided, single submitter. Criteria: CeGaT Center For Human Genetics Tuebingen Variant Classification Criteria Version 2. Collection method: clinical testing. Allele origin: germline. Affected: yes. Observed: 2 variant alleles.
Comment: SFTPA2: PS3:Supporting, PS4:Supporting

Blueprint Genetics
Classification: Uncertain significance. Last evaluated: 2024-09-13. Review status: criteria provided, single submitter. Criteria: ACMG Guidelines, 2015. Collection method: clinical testing. Allele origin: germline.

Alder lab, University of Pittsburgh
Classification: Likely pathogenic for Interstitial lung disease 2. Last evaluated: 2022-02-01. Review status: criteria provided, single submitter. Criteria: ACMG Guidelines, 2015. Collection method: research. Allele origin: germline. Affected: yes.

NM_001098668.4(SFTPA2):c.460G>C (p.Ala154Pro)

Gene: SFTPA2 (surfactant protein A2; minus strand). Cytogenetic location: 10q22.3.
Variant type: single nucleotide variant.
Coding change: c.460G>C on transcript NM_001098668.4 (MANE Select); coding-DNA position 460, G replaced by C.
Protein change: p.Ala154Pro; replaces alanine 154 with proline.
Molecular consequence: missense variant.
Genome position (GRCh38, 1-based): chr10:79,557,496, C>G on the plus strand (G>C on the coding strand, the complement: SFTPA2 is on the minus strand). VCF-style: chr10-79557496-C-G. GRCh37 (hg19) VCF-style: chr10-81317252-C-G.
Other names: c.460G>C, p.Ala154Pro (NM_001320813.2); c.490G>C, p.Ala164Pro (NM_001320814.1); short protein forms A154P, A164P.
Identifiers: ClinVar variation 1705909 (VCV001705909.24), dbSNP rs375082207, ClinGen allele CA5574035.